The following is an entry in ClinVar:

ClinVar aggregate classification (germline): Uncertain significance (1 of 4 stars; one submission).

Submission:

GeneDx
Classification: Uncertain significance. Last evaluated: 2024-08-02. Review status: criteria provided, single submitter. Criteria: GeneDx Variant Classification Process June 2021. Collection method: clinical testing. Allele origin: germline. Affected: yes.
Comment: Not observed at significant frequency in large population cohorts (gnomAD); In silico analysis indicates that this missense variant does not alter protein structure/function; Has not been previously published as pathogenic or benign to our knowledge

NM_001009944.3(PKD1):c.155C>T (p.Ser52Leu)

Gene: PKD1 (polycystin 1, transient receptor potential channel interacting; minus strand). Cytogenetic location: 16p13.3.
Variant type: single nucleotide variant.
Coding change: c.155C>T on transcript NM_001009944.3 (MANE Select); coding-DNA position 155, C replaced by T.
Protein change: p.Ser52Leu; replaces serine 52 with leucine.
Molecular consequence: missense variant.
Genome position (GRCh38, 1-based): chr16:2,135,535, G>A on the plus strand (C>T on the coding strand, the complement: PKD1 is on the minus strand). VCF-style: chr16-2135535-G-A. GRCh37 (hg19) VCF-style: chr16-2185536-G-A.
Other names: c.155C>T, p.Ser52Leu (NM_000296.4); short protein forms S52L.
Identifiers: ClinVar variation 3602472 (VCV003602472.1).